The following is an entry in ClinVar:

ClinVar aggregate classification (germline): Uncertain significance (1 of 4 stars; one submission).

Submission:

Labcorp Genetics (formerly Invitae), Labcorp
Classification: Uncertain significance. Last evaluated: 2022-06-03. Review status: criteria provided, single submitter. Criteria: Invitae Variant Classification Sherloc (09022015). Collection method: clinical testing. Allele origin: germline.
Comment: In summary, the available evidence is currently insufficient to determine the role of this variant in disease. Therefore, it has been classified as a Variant of Uncertain Significance. Algorithms developed to predict the effect of missense changes on protein structure and function are either unavailable or do not agree on the potential impact of this missense change (SIFT: "Tolerated"; PolyPhen-2: "Not Available"; Align-GVGD: "Class C0"). This variant has not been reported in the literature in individuals affected with GPX4-related conditions. This variant is present in population databases (rs375523715, gnomAD 0.004%). This sequence change replaces aspartic acid, which is acidic and polar, with glutamic acid, which is acidic and polar, at codon 175 of the GPX4 protein (p.Asp175Glu).

NM_002085.5(GPX4):c.414C>G (p.Asp138Glu)

Gene: GPX4 (glutathione peroxidase 4; plus strand). Cytogenetic location: 19p13.3.
Variant type: single nucleotide variant.
Coding change: c.414C>G on transcript NM_002085.5 (MANE Select); coding-DNA position 414, C replaced by G.
Protein change: p.Asp138Glu; replaces aspartic acid 138 with glutamic acid.
Molecular consequence: missense variant.
Genome position (GRCh38, 1-based): chr19:1,105,747, C>G. VCF-style: chr19-1105747-C-G. GRCh37 (hg19) VCF-style: chr19-1105746-C-G.
Other names: c.414C>G, p.Asp138Glu (NM_001039847.3); c.525C>G, p.Asp175Glu (NM_001039848.4); c.333C>G, p.Asp111Glu (NM_001367832.1); short protein forms D138E, D175E, D111E.
Identifiers: ClinVar variation 2184857 (VCV002184857.4), dbSNP rs375523715, ClinGen allele CA9037352.